The following is an entry in ClinVar:

NM_000719.7(CACNA1C):c.6040G>T (p.Val2014Phe)

Genes: CACNA1C (calcium voltage-gated channel subunit alpha1 C; plus strand), CACNA1C-AS1 (CACNA1C antisense RNA 1; minus strand). Cytogenetic location: 12p13.33.
Variant type: single nucleotide variant.
Coding change: c.6040G>T on transcript NM_000719.7 (MANE Select); coding-DNA position 6040, G replaced by T.
Protein change: p.Val2014Phe; replaces valine 2014 with phenylalanine.
Molecular consequence: missense variant.
Genome position (GRCh38, 1-based): chr12:2,688,702, G>T. VCF-style: chr12-2688702-G-T. GRCh37 (hg19) VCF-style: chr12-2797868-G-T.
Other names: c.6184G>T, p.Val2062Phe (NM_001129827.2); c.6163G>T, p.Val2055Phe (NM_001129829.2); c.6145G>T, p.Val2049Phe (NM_001129830.3, NM_001167624.3); c.6124G>T, p.Val2042Phe (NM_001129831.2); c.6100G>T, p.Val2034Phe (NM_001129832.2); c.6097G>T, p.Val2033Phe (NM_001129833.2, NM_001129834.2, NM_001129835.2); c.6091G>T, p.Val2031Phe (NM_001129836.2); c.6064G>T, p.Val2022Phe (NM_001129837.2, NM_001129838.2); and 6 more; short protein forms V2014F, V2022F, V2033F, V2034F, V2042F, V2062F, V2055F, V2011F.
Identifiers: ClinVar variation 660019 (VCV000660019.9), dbSNP rs199473660, ClinGen allele CA383385233.

ClinVar aggregate classification (germline): Uncertain significance (1 of 4 stars; one submission).

Conditions:
Long QT syndrome (LQTS). Identifiers: MedGen C0023976, MeSH D008133, MONDO:0002442. Disease mechanism: loss of function. Inheritance: Various modes of inheritance.

Submission:

Labcorp Genetics (formerly Invitae), Labcorp
Classification: Uncertain significance for Long QT syndrome. Last evaluated: 2018-11-27. Review status: criteria provided, single submitter. Criteria: Invitae Variant Classification Sherloc (09022015). Collection method: clinical testing. Allele origin: germline.
Comment: This sequence change replaces valine with phenylalanine at codon 2014 of the CACNA1C protein (p.Val2014Phe). The valine residue is moderately conserved and there is a small physicochemical difference between valine and phenylalanine. This variant is not present in population databases (ExAC no frequency). This variant has not been reported in the literature in individuals with CACNA1C-related conditions. Algorithms developed to predict the effect of missense changes on protein structure and function are either unavailable or do not agree on the potential impact of this missense change (SIFT: "Deleterious"; PolyPhen-2: "Possibly Damaging"; Align-GVGD: "Class C0"). In summary, the available evidence is currently insufficient to determine the role of this variant in disease. Therefore, it has been classified as a Variant of Uncertain Significance.